The following is an entry in ClinVar:

ClinVar aggregate classification (germline): Uncertain significance (1 of 4 stars; one submission).

gnomAD v4.1: 3 of 1,609,924 alleles (0.00019%); highest among the groups gnomAD compares: Non-Finnish European, 0.00025%; no homozygotes.

Submission:

Ambry Genetics
Classification: Uncertain significance. Last evaluated: 2025-02-01. Review status: criteria provided, single submitter. Criteria: Ambry Variant Classification Scheme 2023. Collection method: clinical testing. Allele origin: germline.
Comment: The p.I876V variant (also known as c.2626A>G), located in coding exon 11 of the WNK2 gene, results from an A to G substitution at nucleotide position 2626. The isoleucine at codon 876 is replaced by valine, an amino acid with highly similar properties. This amino acid position is conserved. In addition, this alteration is predicted to be tolerated by in silico analysis. Based on the available evidence, the clinical significance of this variant remains unclear.

NM_006648.4(WNK2):c.2626A>G (p.Ile876Val)

Gene: WNK2 (WNK lysine deficient protein kinase 2; plus strand). Cytogenetic location: 9q22.31.
Variant type: single nucleotide variant.
Coding change: c.2626A>G on transcript NM_006648.4 (MANE Select); coding-DNA position 2626, A replaced by G.
Protein change: p.Ile876Val; replaces isoleucine 876 with valine.
Molecular consequence: missense variant.
Genome position (GRCh38, 1-based): chr9:93,259,174, A>G. VCF-style: chr9-93259174-A-G. GRCh37 (hg19) VCF-style: chr9-96021456-A-G.
Other names: c.2626A>G, p.Ile876Val (NM_001282394.3); short protein forms I876V.
Identifiers: ClinVar variation 3816961 (VCV003816961.1).